The following is an entry in ClinVar:

ClinVar aggregate classification (germline): Likely pathogenic (1 of 4 stars; one submission).

Conditions:
Methylcobalamin deficiency type cblE (HMAE). Also called: HOMOCYSTINURIA-MEGALOBLASTIC ANEMIA, cblE TYPE; HOMOCYSTINURIA-MEGALOBLASTIC ANEMIA, cblE COMPLEMENTATION TYPE; VITAMIN B12-RESPONSIVE HOMOCYSTINURIA, cblE TYPE. Identifiers: Orphanet 2169, Orphanet 622, MedGen C1856057, MONDO:0009354, OMIM 236270.

gnomAD v4.1: 2 of 1,614,028 alleles (0.00012%); highest among the groups gnomAD compares: Non-Finnish European, 0.00017%; no homozygotes.

Submission:

Natera, Inc.
Classification: Likely pathogenic for CblE complementation type homocystinuria-megaloblastic anemia due to defect in cobalamin metabolism. Last evaluated: 2024-11-06. Review status: criteria provided, single submitter. Criteria: Natera Variant Classification Schema (03/2026). Collection method: clinical testing. Allele origin: germline.
Comment: The c.1829C>T variant in MTRR is a missense variant predicted to cause substitution of serine to leucine at amino acid 610. This variant is rare in the general population with a frequency below the threshold expected for the associated phenotype(s). This variant has been observed in one or more individuals affected with the associated recessive disease, as either homozygous or compound heterozygous with a second variant (PMID: 30466947, 38736634). Additionally, this variant has been observed to segregate in affected family members (PMID: 38736634). Computational prediction algorithms indicate this variant is likely to affect gene or protein function. Given the available evidence, this variant is classified as Likely Pathogenic.

Literature cited by the submitters: PubMed 30466947; PubMed 38736634.

NM_002454.3(MTRR):c.1829C>T (p.Ser610Leu)

Gene: MTRR (5-methyltetrahydrofolate-homocysteine methyltransferase reductase; plus strand). Cytogenetic location: 5p15.31.
Variant type: single nucleotide variant.
Coding change: c.1829C>T on transcript NM_002454.3 (MANE Select); coding-DNA position 1829, C replaced by T.
Protein change: p.Ser610Leu; replaces serine 610 with leucine.
Molecular consequence: missense variant. On other transcripts: non-coding transcript variant (14).
Genome position (GRCh38, 1-based): chr5:7,897,124, C>T. VCF-style: chr5-7897124-C-T. GRCh37 (hg19) VCF-style: chr5-7897237-C-T.
Other names: c.1829C>T, p.Ser610Leu (NM_001364440.2, NM_001364441.2, NM_001364442.2 and 1 more transcripts); short protein forms S610L.
Identifiers: ClinVar variation 4815057 (VCV004815057.1).
Genomic context (GRCh38, chr5:7,897,124, plus strand): 5'-GAAAAGAGCTCAGACATTTCCTTAAGCATGGGATCTTAACTCATCTAAAGGTTTCCTTCT[C>T]AAGAGATGCTCCTGTTGGGGAGGAGGAAGCCCCAGCAAAGTATGTGCAAGACAACATCCA-3'
Protein context (NP_002445.2, residues 600-620): GILTHLKVSF[Ser610Leu]RDAPVGEEEA